The following is an entry in ClinVar:

ClinVar aggregate classification (germline): Uncertain significance (1 of 4 stars; one submission).

Conditions:
Cardiovascular phenotype. Identifiers: MedGen CN230736.

Submission:

Ambry Genetics
Classification: Uncertain significance for Cardiovascular phenotype. Last evaluated: 2017-03-15. Review status: criteria provided, single submitter. Criteria: Ambry Variant Classification Scheme 2023. Collection method: clinical testing. Allele origin: germline.
Comment: The p.A5648S variant (also known as c.16942G>T), located in coding exon 65 of the TTN gene, results from a G to T substitution at nucleotide position 16942. The alanine at codon 5648 is replaced by serine, an amino acid with some similar properties. This amino acid position is not well conserved in available vertebrate species. In addition, this alteration is predicted to be tolerated by in silico analysis. Since supporting evidence is limited at this time, the clinical significance of this alteration remains unclear.

NM_001267550.2(TTN):c.44137G>T (p.Ala14713Ser)

Gene: TTN (titin; minus strand). Cytogenetic location: 2q31.2.
Variant type: single nucleotide variant.
Coding change: c.44137G>T on transcript NM_001267550.2 (MANE Select); coding-DNA position 44137, G replaced by T.
Protein change: p.Ala14713Ser; replaces alanine 14713 with serine.
Molecular consequence: missense variant.
Genome position (GRCh38, 1-based): chr2:178,630,821, C>A on the plus strand (G>T on the coding strand, the complement: TTN is on the minus strand). VCF-style: chr2-178630821-C-A. GRCh37 (hg19) VCF-style: chr2-179495548-C-A.
Other names: c.39214G>T, p.Ala13072Ser (NM_001256850.1); c.16942G>T, p.Ala5648Ser (NM_003319.4); c.36433G>T, p.Ala12145Ser (NM_133378.4); c.17317G>T, p.Ala5773Ser (NM_133432.3); c.17518G>T, p.Ala5840Ser (NM_133437.4); short protein forms A14713S, A5648S, A12145S, A5840S, A13072S, A5773S.
Identifiers: ClinVar variation 518638 (VCV000518638.5), dbSNP rs1476356250, ClinGen allele CA349645907.